The following is an entry in ClinVar:

ClinVar aggregate classification (germline): Uncertain significance. Review status: criteria provided, multiple submitters, no conflicts (2 of 4 stars). 3 submissions from 3 submitters: Uncertain significance (3). Last evaluated 2025-05-09.

Conditions:
Autosomal recessive limb-girdle muscular dystrophy type 2L (LGMDR12). Also called: Limb-girdle muscular dystrophy, type 2L; Limb-Girdle Muscular Dystrophy R12 Anoctamin-5-Related (LGMD-R12); MUSCULAR DYSTROPHY, LIMB-GIRDLE, AUTOSOMAL RECESSIVE 12. Identifiers: Orphanet 206549, MedGen C1969785, MONDO:0012652, OMIM 611307.
Gnathodiaphyseal dysplasia (GDD). Also called: GNATHODIAPHYSEAL SCLEROSIS; OSTEOGENESIS IMPERFECTA WITH UNUSUAL SKELETAL LESIONS. Identifiers: Orphanet 53697, MedGen C1833736, MONDO:0008151, OMIM 166260.

gnomAD v4.1: 2 of 1,613,572 alleles (0.00012%); highest among the groups gnomAD compares: Non-Finnish European, 0.00017%; no homozygotes.

Submissions (3):

Labcorp Genetics (formerly Invitae), Labcorp
Classification: Uncertain significance for Autosomal recessive limb-girdle muscular dystrophy type 2L; Gnathodiaphyseal dysplasia. Last evaluated: 2025-05-09. Review status: criteria provided, single submitter. Criteria: Invitae Variant Classification Sherloc (09022015). Collection method: clinical testing. Allele origin: germline.
Comment: This sequence change replaces threonine, which is neutral and polar, with asparagine, which is neutral and polar, at codon 619 of the ANO5 protein (p.Thr619Asn). This variant is not present in population databases (gnomAD no frequency). This missense change has been observed in individual(s) with autosomal recessive limb-girdle muscular dystrophy (internal data). In at least one individual the data is consistent with being in trans (on the opposite chromosome) from a pathogenic variant. It has also been observed to segregate with disease in related individuals. ClinVar contains an entry for this variant (Variation ID: 446840). Invitae Evidence Modeling of protein sequence and biophysical properties (such as structural, functional, and spatial information, amino acid conservation, physicochemical variation, residue mobility, and thermodynamic stability) has been performed for this missense variant. However, the output from this modeling did not meet the statistical confidence thresholds required to predict the impact of this variant on ANO5 protein function. In summary, the available evidence is currently insufficient to determine the role of this variant in disease. Therefore, it has been classified as a Variant of Uncertain Significance.

Athena Diagnostics
Classification: Uncertain significance. Last evaluated: 2024-10-15. Review status: criteria provided, single submitter. Criteria: Athena Diagnostics Criteria. Collection method: clinical testing. Allele origin: unknown.
Comment: Available data are insufficient to determine the clinical significance of the variant at this time. This variant has not been reported in large, multi-ethnic general populations. This variant appears to segregate with disease in at least one family. Polyphen and MutationTaster yielded discordant predictions regarding whether this amino acid change is damaging to the protein.

Blueprint Genetics
Classification: Uncertain significance. Last evaluated: 2024-05-29. Review status: criteria provided, single submitter. Criteria: ACMG Guidelines, 2015. Collection method: clinical testing. Allele origin: germline.

NM_213599.3(ANO5):c.1856C>A (p.Thr619Asn)

Gene: ANO5 (anoctamin 5; plus strand). Cytogenetic location: 11p14.3.
Variant type: single nucleotide variant.
Coding change: c.1856C>A on transcript NM_213599.3 (MANE Select); coding-DNA position 1856, C replaced by A.
Protein change: p.Thr619Asn; replaces threonine 619 with asparagine.
Molecular consequence: missense variant.
Genome position (GRCh38, 1-based): chr11:22,263,001, C>A. VCF-style: chr11-22263001-C-A. GRCh37 (hg19) VCF-style: chr11-22284547-C-A.
Other names: c.1853C>A, p.Thr618Asn (NM_001142649.2); short protein forms T619N, T618N.
Identifiers: ClinVar variation 446840 (VCV000446840.11), dbSNP rs1554931947, ClinGen allele CA379922994.
Genomic context (GRCh38, chr11:22,263,001, plus strand): 5'-ACTAGTGTGATCCTGGAGGCTGTCTTATAGAATTGACAACCCAATTGACCATTATAATGA[C>A]CGGGAAACAGATTTTTGGAAACATTAAAGAAGCCATTTATCCGTATGTATGACTTACAAG-3'
Protein context (NP_998764.1, residues 609-629): ELTTQLTIIM[Thr619Asn]GKQIFGNIKE